The following is an entry in ClinVar:

NM_002184.4(IL6ST):c.2585C>T (p.Ser862Phe)

Gene: IL6ST (interleukin 6 cytokine family signal transducer; minus strand). Cytogenetic location: 5q11.2.
Variant type: single nucleotide variant.
Coding change: c.2585C>T on transcript NM_002184.4 (MANE Select); coding-DNA position 2585, C replaced by T.
Protein change: p.Ser862Phe; replaces serine 862 with phenylalanine.
Molecular consequence: missense variant. On other transcripts: 3 prime UTR variant (1), non-coding transcript variant (2).
Genome position (GRCh38, 1-based): chr5:55,941,254, G>A on the plus strand (C>T on the coding strand, the complement: IL6ST is on the minus strand). VCF-style: chr5-55941254-G-A. GRCh37 (hg19) VCF-style: chr5-55237082-G-A.
Other names: c.2402C>T, p.Ser801Phe (NM_001190981.2); c.2483C>T, p.Ser828Phe (NM_001364275.2); c.2375C>T, p.Ser792Phe (NM_001364276.2); c.1718C>T, p.Ser573Phe (NM_001364277.2); c.1682C>T, p.Ser561Phe (NM_001364278.2); c.1589C>T, p.Ser530Phe (NM_001364279.2); c.*1512C>T (NM_175767.3); short protein forms S530F, S792F, S561F, S573F, S828F, S801F, S862F.
Identifiers: ClinVar variation 4714713 (VCV004714713.1).
Genomic context (GRCh38, chr5:55,941,254, plus strand): 5'-TCAGTACCTGGACCAAAAGCATCTGCTGCAGAAACTTCCTGAAACATTTTCATTTGCCCA[G>A]ATCCACAGGATTGTGAAATATGATCTGAAATCTGCTGTTTAAGTCTAACAAAATCTTCCT-3'
Protein context (NP_002175.2, residues 852-872): ISDHISQSCG[Ser862Phe]GQMKMFQEVS

ClinVar aggregate classification (germline): Uncertain significance (1 of 4 stars; one submission).

gnomAD v4.1: 2 of 1,614,116 alleles (0.00012%); highest among the groups gnomAD compares: Non-Finnish European, 0.00017%; no homozygotes.

Submission:

Labcorp Genetics (formerly Invitae), Labcorp
Classification: Uncertain significance. Last evaluated: 2025-03-09. Review status: criteria provided, single submitter. Criteria: Invitae Variant Classification Sherloc (09022015). Collection method: clinical testing. Allele origin: germline.
Comment: This sequence change replaces serine, which is neutral and polar, with phenylalanine, which is neutral and non-polar, at codon 862 of the IL6ST protein (p.Ser862Phe). This variant is not present in population databases (gnomAD no frequency). This variant has not been reported in the literature in individuals affected with IL6ST-related conditions. An algorithm developed to predict the effect of missense changes on protein structure and function (PolyPhen-2) suggests that this variant is likely to be tolerated. In summary, the available evidence is currently insufficient to determine the role of this variant in disease. Therefore, it has been classified as a Variant of Uncertain Significance.